The following is an entry in ClinVar:

NM_033026.6(PCLO):c.1421C>G (p.Pro474Arg)

Gene: PCLO (piccolo presynaptic cytomatrix protein; minus strand). Cytogenetic location: 7q21.11.
Variant type: single nucleotide variant.
Coding change: c.1421C>G on transcript NM_033026.6 (MANE Select); coding-DNA position 1421, C replaced by G.
Protein change: p.Pro474Arg; replaces proline 474 with arginine.
Molecular consequence: missense variant.
Genome position (GRCh38, 1-based): chr7:83,155,220, G>C on the plus strand (C>G on the coding strand, the complement: PCLO is on the minus strand). VCF-style: chr7-83155220-G-C. GRCh37 (hg19) VCF-style: chr7-82784536-G-C.
Other names: c.1421C>G, p.Pro474Arg (NM_014510.3); short protein forms P474R.
Identifiers: ClinVar variation 1364373 (VCV001364373.8), dbSNP rs2116687804, ClinGen allele CA367914312.

ClinVar aggregate classification (germline): Uncertain significance (1 of 4 stars; one submission).

Submission:

Labcorp Genetics (formerly Invitae), Labcorp
Classification: Uncertain significance. Last evaluated: 2022-02-24. Review status: criteria provided, single submitter. Criteria: Invitae Variant Classification Sherloc (09022015). Collection method: clinical testing. Allele origin: germline.
Comment: This variant is not present in population databases (gnomAD no frequency). This variant has not been reported in the literature in individuals affected with PCLO-related conditions. Algorithms developed to predict the effect of missense changes on protein structure and function are either unavailable or do not agree on the potential impact of this missense change (SIFT: "Deleterious"; PolyPhen-2: "Possibly Damaging"; Align-GVGD: "Class C0"). In summary, the available evidence is currently insufficient to determine the role of this variant in disease. Therefore, it has been classified as a Variant of Uncertain Significance. This sequence change replaces proline, which is neutral and non-polar, with arginine, which is basic and polar, at codon 474 of the PCLO protein (p.Pro474Arg).